The following is an entry in ClinVar:

NM_014989.7(RIMS1):c.3129G>C (p.Arg1043Ser)

Gene: RIMS1 (regulating synaptic membrane exocytosis 1; plus strand). Cytogenetic location: 6q13.
Variant type: single nucleotide variant.
Coding change: c.3129G>C on transcript NM_014989.7 (MANE Select); coding-DNA position 3129, G replaced by C.
Protein change: p.Arg1043Ser; replaces arginine 1043 with serine.
Molecular consequence: missense variant. On other transcripts: intron variant (58).
Genome position (GRCh38, 1-based): chr6:72,264,987, G>C. VCF-style: chr6-72264987-G-C. GRCh37 (hg19) VCF-style: chr6-72974690-G-C.
Other names: c.1548G>C, p.Arg516Ser (NM_001350418.2, NM_001350434.2, NM_001350436.2); c.1551G>C, p.Arg517Ser (NM_001350458.2); c.1506G>C, p.Arg502Ser (NM_001350470.2); c.1470-973G>C (NM_001350428.2, NM_001350459.2, NM_001350424.2 and 1 more transcripts); c.1467-973G>C (NM_001350437.2, NM_001350430.2, NM_001350421.2 and 1 more transcripts); c.1539-973G>C (NM_001350433.2, NM_001350446.2, NM_001350442.2 and 8 more transcripts); c.1538+4220G>C (NM_001350431.2); c.1476-973G>C (NM_001350457.2); and 13 more; short protein forms R516S, R1043S, R517S, R502S.
Identifiers: ClinVar variation 2129546 (VCV002129546.4), dbSNP rs2552141531, ClinGen allele CA364685152.

ClinVar aggregate classification (germline): Uncertain significance (1 of 4 stars; one submission).

Submission:

Labcorp Genetics (formerly Invitae), Labcorp
Classification: Uncertain significance. Last evaluated: 2022-09-27. Review status: criteria provided, single submitter. Criteria: Invitae Variant Classification Sherloc (09022015). Collection method: clinical testing. Allele origin: germline.
Comment: Algorithms developed to predict the effect of missense changes on protein structure and function are either unavailable or do not agree on the potential impact of this missense change (SIFT: "Deleterious"; PolyPhen-2: "Probably Damaging"; Align-GVGD: "Class C0"). This sequence change replaces arginine, which is basic and polar, with serine, which is neutral and polar, at codon 1043 of the RIMS1 protein (p.Arg1043Ser). This variant is not present in population databases (gnomAD no frequency). This variant has not been reported in the literature in individuals affected with RIMS1-related conditions. In summary, the available evidence is currently insufficient to determine the role of this variant in disease. Therefore, it has been classified as a Variant of Uncertain Significance.